The following is an entry in ClinVar:

ClinVar aggregate classification (germline): Uncertain significance (1 of 4 stars; one submission).

Conditions:
Cardiovascular phenotype. Identifiers: MedGen CN230736.

Allele frequency attached by ClinVar (database versions not stated): gnomAD exomes below 0.00001 and 0.00001; TOPMed below 0.00001; ExAC 0.00002.
gnomAD v4.1: 1 of 1,614,096 alleles (0.000062%); highest among the groups gnomAD compares: Admixed American, 0.0017%; no homozygotes.

Submission:

Ambry Genetics
Classification: Uncertain significance for Cardiovascular phenotype. Last evaluated: 2020-06-15. Review status: criteria provided, single submitter. Criteria: Ambry Variant Classification Scheme 2023. Collection method: clinical testing. Allele origin: germline.
Comment: The p.R1813M variant (also known as c.5438G>T), located in coding exon 26 of the TTN gene, results from a G to T substitution at nucleotide position 5438. The arginine at codon 1813 is replaced by methionine, an amino acid with similar properties. This amino acid position is highly conserved in available vertebrate species. In addition, the in silico prediction for this alteration is inconclusive. Since supporting evidence is limited at this time, the clinical significance of this alteration remains unclear.

NM_001267550.2(TTN):c.5576G>T (p.Arg1859Met)

Gene: TTN (titin; minus strand). Cytogenetic location: 2q31.2.
Variant type: single nucleotide variant.
Coding change: c.5576G>T on transcript NM_001267550.2 (MANE Select); coding-DNA position 5576, G replaced by T.
Protein change: p.Arg1859Met; replaces arginine 1859 with methionine.
Molecular consequence: missense variant.
Genome position (GRCh38, 1-based): chr2:178,776,288, C>A on the plus strand (G>T on the coding strand, the complement: TTN is on the minus strand). VCF-style: chr2-178776288-C-A. GRCh37 (hg19) VCF-style: chr2-179641015-C-A.
Other names: c.5438G>T, p.Arg1813Met (NM_003319.4, NM_133432.3, NM_133437.4); c.5576G>T, p.Arg1859Met (NM_001256850.1, NM_133378.4, NM_133379.5); short protein forms R1813M, R1859M.
Identifiers: ClinVar variation 264326 (VCV000264326.5), dbSNP rs777923620, ClinGen allele CA2005164.